The following is an entry in ClinVar:

ClinVar aggregate classification (germline): Likely pathogenic (1 of 4 stars; one submission).

Conditions:
Intellectual developmental disorder, autosomal recessive 6. Also called: Intellectual disability, autosomal recessive 6. Identifiers: Orphanet 88616, MedGen C1970198, MONDO:0012614, OMIM 611092.

Submission:

3billion
Classification: Likely pathogenic for Intellectual developmental disorder, autosomal recessive 6. Last evaluated: 2025-08-09. Review status: criteria provided, single submitter. Criteria: ACMG Guidelines, 2015. Collection method: clinical testing. Allele origin: germline. Affected: yes.
Comment: The variant is not observed in the gnomAD v4.1.0 dataset. Predicted Consequence/Location: Canonical splice site: predicted to alter splicing and result in a loss or disruption of normal protein function. Multiple pathogenic loss-of-function variants are reported downstream of the variant. In silico tools predict the variant to alter splicing and produce an abnormal transcript [SpliceAI: 0.97 (spliceogenicity >=0.2, non-spliceogenicity <0.1)]. Therefore, this variant is classified as Likely pathogenic according to the recommendation of ACMG/AMP guideline.

NM_021956.5(GRIK2):c.284-6_287del

Gene: GRIK2 (glutamate ionotropic receptor kainate type subunit 2; plus strand). Cytogenetic location: 6q16.3.
Variant type: Deletion.
Coding change: c.284-6_287del on transcript NM_021956.5 (MANE Select); 6 bases into the intron before coding-DNA position 284 through coding-DNA position 287, 10 bases deleted (CTTCAGCCTG; older notation c.284-6_287delCTTCAGCCTG).
Molecular consequence: splice acceptor variant.
Genome position (GRCh38, 1-based): chr6:101,626,374-101,626,383, CTTCAGCCTG deleted. VCF-style (leftmost placement, unchanged base first): chr6-101626373-TCTTCAGCCTG-T. GRCh37 (hg19) VCF-style: chr6-102074248-TCTTCAGCCTG-T.
Other names: c.284-6_287del (NM_175768.3, NM_001166247.1).
Identifiers: ClinVar variation 4856151 (VCV004856151.1).